The following is an entry in ClinVar:

ClinVar aggregate classification (germline): Uncertain significance (1 of 4 stars; one submission).

Conditions:
Bardet-Biedl syndrome (BBS). Identifiers: Orphanet 110, MedGen C0752166, MONDO:0015229.

Submission:

Labcorp Genetics (formerly Invitae), Labcorp
Classification: Uncertain significance for Bardet-Biedl syndrome. Last evaluated: 2022-07-26. Review status: criteria provided, single submitter. Criteria: Invitae Variant Classification Sherloc (09022015). Collection method: clinical testing. Allele origin: germline.
Comment: In summary, the available evidence is currently insufficient to determine the role of this variant in disease. Therefore, it has been classified as a Variant of Uncertain Significance. Algorithms developed to predict the effect of missense changes on protein structure and function (SIFT, PolyPhen-2, Align-GVGD) all suggest that this variant is likely to be tolerated. ClinVar contains an entry for this variant (Variation ID: 1500357). This variant has not been reported in the literature in individuals affected with BBS1-related conditions. This variant is not present in population databases (gnomAD no frequency). This sequence change replaces valine, which is neutral and non-polar, with leucine, which is neutral and non-polar, at codon 303 of the BBS1 protein (p.Val303Leu).

NM_024649.5(BBS1):c.907G>C (p.Val303Leu)

Genes: ZDHHC24 (zDHHC palmitoyltransferase 24; minus strand), BBS1 (Bardet-Biedl syndrome 1; plus strand). Cytogenetic location: 11q13.2.
Variant type: single nucleotide variant.
Coding change: c.907G>C on transcript NM_024649.5 (MANE Select); coding-DNA position 907, G replaced by C.
Protein change: p.Val303Leu; replaces valine 303 with leucine.
Molecular consequence: missense variant. On other transcripts: intron variant (1).
Genome position (GRCh38, 1-based): chr11:66,523,532, G>C. VCF-style: chr11-66523532-G-C. GRCh37 (hg19) VCF-style: chr11-66291003-G-C.
Other names: c.*22-2066C>G (NM_001348571.2); short protein forms V303L.
Identifiers: ClinVar variation 1500357 (VCV001500357.7), dbSNP rs2134795278, ClinGen allele CA381461676.